The following is an entry in ClinVar:

ClinVar aggregate classification (germline): Uncertain significance (1 of 4 stars; one submission).

Conditions:
Primary ciliary dyskinesia. Also called: Ciliary dyskinesia. Identifiers: Orphanet 244, MedGen C0008780, MONDO:0016575, HP:0012265.

Allele frequency attached by ClinVar (database versions not stated): gnomAD 0.00001; gnomAD exomes 0.00001; ExAC 0.00002.
gnomAD v4.1: 4 of 1,614,086 alleles (0.00025%); highest among the groups gnomAD compares: Admixed American, 0.0017%; no homozygotes.

Submission:

Labcorp Genetics (formerly Invitae), Labcorp
Classification: Uncertain significance for Primary ciliary dyskinesia. Last evaluated: 2022-07-06. Review status: criteria provided, single submitter. Criteria: Invitae Variant Classification Sherloc (09022015). Collection method: clinical testing. Allele origin: germline.
Comment: This sequence change replaces histidine, which is basic and polar, with tyrosine, which is neutral and polar, at codon 641 of the DNAI1 protein (p.His641Tyr). This variant is present in population databases (rs747382351, gnomAD 0.003%). This variant has not been reported in the literature in individuals affected with DNAI1-related conditions. Algorithms developed to predict the effect of missense changes on protein structure and function output the following: SIFT: "Tolerated"; PolyPhen-2: "Benign"; Align-GVGD: "Class C0". The tyrosine amino acid residue is found in multiple mammalian species, which suggests that this missense change does not adversely affect protein function. In summary, the available evidence is currently insufficient to determine the role of this variant in disease. Therefore, it has been classified as a Variant of Uncertain Significance.

NM_012144.4(DNAI1):c.1921C>T (p.His641Tyr)

Gene: DNAI1 (dynein axonemal intermediate chain 1; plus strand). Cytogenetic location: 9p13.3.
Variant type: single nucleotide variant.
Coding change: c.1921C>T on transcript NM_012144.4 (MANE Select); coding-DNA position 1921, C replaced by T.
Protein change: p.His641Tyr; replaces histidine 641 with tyrosine.
Molecular consequence: missense variant.
Genome position (GRCh38, 1-based): chr9:34,517,387, C>T. VCF-style: chr9-34517387-C-T. GRCh37 (hg19) VCF-style: chr9-34517385-C-T.
Other names: c.1933C>T, p.His645Tyr (NM_001281428.2); short protein forms H641Y, H645Y.
Identifiers: ClinVar variation 1982398 (VCV001982398.1), dbSNP rs747382351, ClinGen allele CA5034580.